The following is an entry in ClinVar:

ClinVar aggregate classification (germline): Benign. Review status: reviewed by expert panel (3 of 4 stars). 4 submissions from 3 submitters: Benign (1). 3 of the submissions do not count toward it. Last evaluated 2016-09-28.

Conditions:
Fanconi anemia complementation group D1. Also called: BRCA2-Related Fanconi Anemia. Identifiers: Orphanet 319462, MedGen C1838457, MONDO:0011584, OMIM 605724.
Breast-ovarian cancer, familial, susceptibility to, 2 (BROVCA2). Also called: BRCA2 Hereditary Breast and Ovarian Cancer. Identifiers: Orphanet 145, MedGen C2675520, MONDO:0012933, OMIM 612555. Disease mechanism: loss of function.

Allele frequency attached by ClinVar (database versions not stated): TOPMed 0.00189; gnomAD 0.00210 and 0.00232; gnomAD exomes 0.00282; 1000 Genomes Project 30x 0.00359; 1000 Genomes Project 0.00439.
gnomAD v4.1: 431 of 178,476 alleles (0.24%); highest among the groups gnomAD compares: South Asian, 0.85%; 6 homozygotes.

Submissions (4):

Evidence-based Network for the Interpretation of Germline Mutant Alleles (ENIGMA)
Classification: Benign for Breast-ovarian cancer, familial, susceptibility to, 2. Last evaluated: 2016-09-28. Review status: reviewed by expert panel. Criteria: ENIGMA BRCA1/2 Classification Criteria (2015). Collection method: curation. Allele origin: germline.
Comment: Class 1 not pathogenic based on frequency >1% in an outbred sampleset. Frequency 0.0153 (South Asian), derived from 1000 genomes (2013-05-02).

Illumina Laboratory Services, Illumina
Classification: Likely benign for Fanconi anemia complementation group D1. Last evaluated: 2018-01-12. Review status: criteria provided, single submitter. Criteria: ICSL Variant Classification Criteria 13 December 2019. Collection method: clinical testing. Allele origin: germline. Not counted in ClinVar's aggregate classification.
Comment: This variant was observed in the ICSL laboratory as part of a predisposition screen in an ostensibly healthy population. It had not been previously curated by ICSL or reported in the Human Gene Mutation Database (HGMD: prior to June 1st, 2018), and was therefore a candidate for classification through an automated scoring system. Utilizing variant allele frequency, disease prevalence and penetrance estimates, and inheritance mode, an automated score was calculated to assess if this variant is too frequent to cause the disease. Based on the score and internal cut-off values, a variant classified as likely benign is not then subjected to further curation. The score for this variant resulted in a classification of likely benign for this disease.

Illumina Laboratory Services, Illumina
Classification: Likely benign for Breast-ovarian cancer, familial, susceptibility to, 2. Last evaluated: 2018-01-12. Review status: criteria provided, single submitter. Criteria: ICSL Variant Classification Criteria 13 December 2019. Collection method: clinical testing. Allele origin: germline. Not counted in ClinVar's aggregate classification.
Comment: the same text as in the submission from Illumina Laboratory Services, Illumina above.

Breakthrough Genomics
Classification: Benign. Review status: criteria provided, single submitter. Criteria: ACMG Guidelines, 2015. Collection method: not provided. Allele origin: germline. Inheritance: Autosomal recessive inheritance. Affected: yes. Not counted in ClinVar's aggregate classification.

NM_000059.4(BRCA2):c.*841A>G

Gene: BRCA2 (BRCA2 DNA repair associated; plus strand). Cytogenetic location: 13q13.1.
Variant type: single nucleotide variant.
Coding change: c.*841A>G on transcript NM_000059.4 (MANE Select); 841 bases downstream of the stop codon, A replaced by G.
Molecular consequence: 3 prime UTR variant.
Genome position (GRCh38, 1-based): chr13:32,399,611, A>G. VCF-style: chr13-32399611-A-G. GRCh37 (hg19) VCF-style: chr13-32973748-A-G.
Identifiers: ClinVar variation 264893 (VCV000264893.6), dbSNP rs186619625, ClinGen allele CA10588180.